The following is an entry in ClinVar:

ClinVar aggregate classification (germline): Conflicting classifications of pathogenicity. Review status: criteria provided, conflicting classifications (1 of 4 stars). 6 submissions from 4 submitters: Uncertain significance (2); Benign (2); Likely benign (1). 1 of the submissions does not count toward it. Last evaluated 2024-05-20.

Conditions:
Familial Mediterranean fever (FMF). Also called: POLYSEROSITIS, FAMILIAL PAROXYSMAL; POLYSEROSITIS, RECURRENT; Periodic peritonitis; Benign paroxysmal peritonitis. Identifiers: Orphanet 342, MedGen C0031069, MONDO:0018088, OMIM 249100. Disease mechanism: gain of function.
Acute febrile neutrophilic dermatosis (AFND). Also called: Sweet Syndrome; Gomm Button disease. Identifiers: Orphanet 3243, MedGen C0085077, MONDO:0011959, OMIM 608068.
Familial Mediterranean fever, autosomal dominant. Also called: FMF, AUTOSOMAL DOMINANT; Dominant Familial Mediterranean Fever. Identifiers: Orphanet 342, MedGen C1851347, MONDO:0007601, OMIM 134610.

Allele frequency attached by ClinVar (database versions not stated): gnomAD 0.00002; gnomAD exomes 0.00001 and 0.00002; TOPMed 0.00003.
gnomAD v4.1: 11 of 1,603,042 alleles (0.00069%); highest among the groups gnomAD compares: Admixed American, 0.0085%; no homozygotes.

Submissions (6):

Fulgent Genetics
Classification: Uncertain significance for Familial Mediterranean fever, autosomal dominant; Familial Mediterranean fever; Acute febrile neutrophilic dermatosis. Last evaluated: 2024-05-20. Review status: criteria provided, single submitter. Criteria: ACMG Guidelines, 2015. Collection method: clinical testing. Allele origin: germline.

Genome-Nilou Lab
Classification: Likely benign for Familial Mediterranean fever. Last evaluated: 2023-02-08. Review status: criteria provided, single submitter. Criteria: ACMG Guidelines, 2015. Collection method: clinical testing. Allele origin: germline.

Genome-Nilou Lab
Classification: Benign for Familial Mediterranean fever, autosomal dominant. Last evaluated: 2023-02-08. Review status: criteria provided, single submitter. Criteria: ACMG Guidelines, 2015. Collection method: clinical testing. Allele origin: germline.

Genome-Nilou Lab
Classification: Benign for Acute febrile neutrophilic dermatosis. Last evaluated: 2023-02-08. Review status: criteria provided, single submitter. Criteria: ACMG Guidelines, 2015. Collection method: clinical testing. Allele origin: germline.

Labcorp Genetics (formerly Invitae), Labcorp
Classification: Uncertain significance for Familial Mediterranean fever. Last evaluated: 2022-08-12. Review status: criteria provided, single submitter. Criteria: Invitae Variant Classification Sherloc (09022015). Collection method: clinical testing. Allele origin: germline.
Comment: This sequence change replaces proline, which is neutral and non-polar, with leucine, which is neutral and non-polar, at codon 633 of the MEFV protein (p.Pro633Leu). This variant is present in population databases (no rsID available, gnomAD 0.01%). This missense change has been observed in individual(s) with familial Mediterranean fever (PMID: 31803701). ClinVar contains an entry for this variant (Variation ID: 457998). Algorithms developed to predict the effect of missense changes on protein structure and function output the following: SIFT: "Tolerated"; PolyPhen-2: "Possibly Damaging"; Align-GVGD: "Class C0". The leucine amino acid residue is found in multiple mammalian species, which suggests that this missense change does not adversely affect protein function. In summary, the available evidence is currently insufficient to determine the role of this variant in disease. Therefore, it has been classified as a Variant of Uncertain Significance.

Natera, Inc.
Classification: Uncertain significance for Familial Mediterranean fever. Last evaluated: 2019-10-28. Review status: no assertion criteria provided. Collection method: clinical testing. Allele origin: germline. Not counted in ClinVar's aggregate classification.

Literature cited by the submitters: PubMed 31803701 (cited by Labcorp Genetics (formerly Invitae), Labcorp).

NM_000243.3(MEFV):c.1898C>T (p.Pro633Leu)

Genes: MEFV (MEFV innate immunity regulator, pyrin; minus strand), LOC126862264 (CDK7 strongly-dependent group 2 enhancer GRCh37_chr16:3293322-3294521; plus strand). Cytogenetic location: 16p13.3.
Variant type: single nucleotide variant.
Coding change: c.1898C>T on transcript NM_000243.3 (MANE Select); coding-DNA position 1898, C replaced by T.
Protein change: p.Pro633Leu; replaces proline 633 with leucine.
Molecular consequence: missense variant. On other transcripts: 3 prime UTR variant (1).
Genome position (GRCh38, 1-based): chr16:3,243,589, G>A on the plus strand (C>T on the coding strand, the complement: MEFV is on the minus strand). VCF-style: chr16-3243589-G-A. GRCh37 (hg19) VCF-style: chr16-3293589-G-A.
Other names: c.*102C>T (NM_001198536.2); short protein forms P633L.
Identifiers: ClinVar variation 457998 (VCV000457998.16), dbSNP rs976279218, ClinGen allele CA276955244.